The following is an entry in ClinVar:

NM_020937.4(FANCM):c.5313C>G (p.Asp1771Glu)

Gene: FANCM (FA complementation group M; plus strand). Cytogenetic location: 14q21.2.
Variant type: single nucleotide variant.
Coding change: c.5313C>G on transcript NM_020937.4 (MANE Select); coding-DNA position 5313, C replaced by G.
Protein change: p.Asp1771Glu; replaces aspartic acid 1771 with glutamic acid.
Molecular consequence: missense variant.
Genome position (GRCh38, 1-based): chr14:45,189,335, C>G. VCF-style: chr14-45189335-C-G. GRCh37 (hg19) VCF-style: chr14-45658538-C-G.
Other names: c.5235C>G, p.Asp1745Glu (NM_001308133.2); short protein forms D1745E, D1771E.
Identifiers: ClinVar variation 4254688 (VCV004254688.1).
Genomic context (GRCh38, chr14:45,189,335, plus strand): 5'-GAATCATAATGAAGTCCAGTCTACCACACCACCCTTCACTACTGTTGATTCACAGAAAGA[C>G]TGTAGAAAATTTCCAGTTCCACAGAAGGTATGGATCAAAGAAAGGAAAAATATCTTTAGA-3'
Protein context (NP_065988.1, residues 1761-1781): PPFTTVDSQK[Asp1771Glu]CRKFPVPQKD

ClinVar aggregate classification (germline): Uncertain significance (1 of 4 stars; one submission).

Conditions:
Inborn genetic diseases. Identifiers: MedGen C0950123, MeSH D030342.

Submission:

Ambry Genetics
Classification: Uncertain significance for Inborn genetic diseases. Last evaluated: 2025-08-20. Review status: criteria provided, single submitter. Criteria: Ambry Variant Classification Scheme 2023. Collection method: clinical testing. Allele origin: germline.
Comment: The p.D1771E variant (also known as c.5313C>G), located in coding exon 20 of the FANCM gene, results from a C to G substitution at nucleotide position 5313. The aspartic acid at codon 1771 is replaced by glutamic acid, an amino acid with highly similar properties. This amino acid position is conserved. In addition, this alteration is predicted to be tolerated by in silico analysis. Based on the available evidence, the clinical significance of this variant remains unclear.